The following is an entry in ClinVar:

ClinVar aggregate classification (germline): Uncertain significance (1 of 4 stars; one submission).

Conditions:
Brugada syndrome. Also called: Sudden unexpected nocturnal death syndrome; Sudden Unexplained Death Syndrome; Sudden Unexplained Nocturnal Death Syndrome (SUNDS); Sudden unexplained nocturnal death syndrome. Identifiers: Orphanet 130, MedGen C1142166, MONDO:0015263.

Submission:

Labcorp Genetics (formerly Invitae), Labcorp
Classification: Uncertain significance for Brugada syndrome. Last evaluated: 2025-12-15. Review status: criteria provided, single submitter. Criteria: Invitae Variant Classification Sherloc (09022015). Collection method: clinical testing. Allele origin: germline.
Comment: This sequence change falls in intron 16 of the SCN10A gene. It does not directly change the encoded amino acid sequence of the SCN10A protein. This variant is not present in population databases (gnomAD no frequency). This variant has not been reported in the literature in individuals affected with SCN10A-related conditions. In summary, the available evidence is currently insufficient to determine the role of this variant in disease. Therefore, it has been classified as a Variant of Uncertain Significance.

NM_006514.4(SCN10A):c.3081_3087+17dup

Genes: SCN10A (sodium voltage-gated channel alpha subunit 10; minus strand), LOC110121288 (VISTA enhancer hs2268; plus strand). Cytogenetic location: 3p22.2.
Variant type: Duplication.
Coding change: c.3081_3087+17dup on transcript NM_006514.4 (MANE Select); coding-DNA position 3081 through 17 bases into the intron after coding-DNA position 3087, 24 bases duplicated (AGGACAGGTAAGAGTTATCCCCAA).
Molecular consequence: splice donor variant.
Genome position (GRCh38, 1-based): chr3:38,726,589-38,726,612, TTGGGGATAACTCTTACCTGTCCT duplicated on the plus strand (AGGACAGGTAAGAGTTATCCCCAA on the coding strand, the reverse complement: SCN10A is on the minus strand); duplicating any 24 consecutive bases within chr3:38,726,589-38,726,620 gives the same sequence; the c. name uses the placement nearest the transcript's 3' end. VCF-style (leftmost placement, unchanged base first): chr3-38726588-C-CTTGGGGATAACTCTTACCTGTCCT. GRCh37 (hg19) VCF-style: chr3-38768079-C-CTTGGGGATAACTCTTACCTGTCCT.
Other names: c.2787_2793+17dup (NM_001293307.2); c.3081_3087+17dup (NM_001293306.2).
Identifiers: ClinVar variation 4732904 (VCV004732904.1).